The following is an entry in ClinVar:

ClinVar aggregate classification (germline): Uncertain significance (1 of 4 stars; one submission).

Allele frequency attached by ClinVar (database versions not stated): gnomAD exomes below 0.00001.
gnomAD v4.1: 1 of 1,614,180 alleles (0.000062%); highest among the groups gnomAD compares: Non-Finnish European, 0.000085%; no homozygotes.

Submission:

GeneDx
Classification: Uncertain significance. Last evaluated: 2020-04-20. Review status: criteria provided, single submitter. Criteria: GeneDx Variant Classification Process June 2021. Collection method: clinical testing. Allele origin: germline. Affected: yes.
Comment: Not observed in large population cohorts (Lek et al., 2016); In silico analysis, which includes protein predictors and evolutionary conservation, supports a deleterious effect; Has not been previously published as pathogenic or benign to our knowledge

NM_015330.6(SPECC1L):c.1249A>G (p.Thr417Ala)

Genes: SPECC1L (sperm antigen with calponin homology and coiled-coil domains 1 like; plus strand), SPECC1L-ADORA2A (SPECC1L-ADORA2A readthrough (NMD candidate); plus strand). Cytogenetic location: 22q11.23.
Variant type: single nucleotide variant.
Coding change: c.1249A>G on transcript NM_015330.6 (MANE Select); coding-DNA position 1249, A replaced by G.
Protein change: p.Thr417Ala; replaces threonine 417 with alanine.
Molecular consequence: missense variant. On other transcripts: non-coding transcript variant (1).
Genome position (GRCh38, 1-based): chr22:24,322,229, A>G. VCF-style: chr22-24322229-A-G. GRCh37 (hg19) VCF-style: chr22-24718197-A-G.
Other names: c.1249A>G, p.Thr417Ala (NM_001145468.4, NM_001254732.3); short protein forms T417A.
Identifiers: ClinVar variation 1199786 (VCV001199786.3), dbSNP rs111653895, ClinGen allele CA322648280.